The following is an entry in ClinVar:

NM_005585.5(SMAD6):c.1025G>A (p.Arg342His)

Gene: SMAD6 (SMAD family member 6; plus strand). Cytogenetic location: 15q22.31.
Variant type: single nucleotide variant.
Coding change: c.1025G>A on transcript NM_005585.5 (MANE Select); coding-DNA position 1025, G replaced by A.
Protein change: p.Arg342His; replaces arginine 342 with histidine.
Molecular consequence: missense variant. On other transcripts: non-coding transcript variant (1).
Genome position (GRCh38, 1-based): chr15:66,781,069, G>A. VCF-style: chr15-66781069-G-A. GRCh37 (hg19) VCF-style: chr15-67073407-G-A.
Other names: short protein forms R342H.
Identifiers: ClinVar variation 1953684 (VCV001953684.5), dbSNP rs757635348, ClinGen allele CA7626711.

ClinVar aggregate classification (germline): Uncertain significance (1 of 4 stars; one submission).

Conditions:
Aortic valve disease 2 (AOVD2). Identifiers: MedGen C3542024, MONDO:0013902, OMIM 614823.

Allele frequency attached by ClinVar (database versions not stated): gnomAD 0.00001; ExAC 0.00003.
gnomAD v4.1: 6 of 1,604,726 alleles (0.00037%); highest among the groups gnomAD compares: Non-Finnish European, 0.00051%; no homozygotes.

Submission:

Labcorp Genetics (formerly Invitae), Labcorp
Classification: Uncertain significance for Aortic valve disease 2. Last evaluated: 2022-06-30. Review status: criteria provided, single submitter. Criteria: Invitae Variant Classification Sherloc (09022015). Collection method: clinical testing. Allele origin: germline.
Comment: In summary, the available evidence is currently insufficient to determine the role of this variant in disease. Therefore, it has been classified as a Variant of Uncertain Significance. Algorithms developed to predict the effect of missense changes on protein structure and function (SIFT, PolyPhen-2, Align-GVGD) all suggest that this variant is likely to be disruptive. This variant has not been reported in the literature in individuals affected with SMAD6-related conditions. The frequency data for this variant in the population databases is considered unreliable, as metrics indicate poor data quality at this position in the gnomAD database. This sequence change replaces arginine, which is basic and polar, with histidine, which is basic and polar, at codon 342 of the SMAD6 protein (p.Arg342His).